The following is an entry in ClinVar:

NM_000245.4(MET):c.2265-2A>C

Gene: MET (MET proto-oncogene, receptor tyrosine kinase; plus strand). Cytogenetic location: 7q31.2.
Variant type: single nucleotide variant.
Coding change: c.2265-2A>C on transcript NM_000245.4 (MANE Select); the canonical splice acceptor site of the intron before coding-DNA position 2265, A replaced by C.
Molecular consequence: splice acceptor variant. On other transcripts: missense variant (1).
Genome position (GRCh38, 1-based): chr7:116,759,389, A>C. VCF-style: chr7-116759389-A-C. GRCh37 (hg19) VCF-style: chr7-116399443-A-C.
Other names: c.2317A>C, p.Ser773Arg (NM_001127500.3); c.975-2A>C (NM_001324402.2); c.2265-2A>C (NM_001324401.3); short protein forms S773R.
Identifiers: ClinVar variation 2766346 (VCV002766346.3), dbSNP rs1397775000, ClinGen allele CA368981888.
Genomic context (GRCh38, chr7:116,759,389, plus strand): 5'-TCTTACAGTACTTGGTGGAAAGAACCTCTCAACATTGTCAGTTTTCTATTTTGCTTTGCC[A>C]GTGGTGGGAGCACAATAACAGGTGTTGGGAAAAACCTGAATTCAGTTAGTGTCCCGAGAA-3'

ClinVar aggregate classification (germline): Uncertain significance (1 of 4 stars; one submission).

Conditions:
Renal cell carcinoma. Identifiers: Orphanet 217071, MedGen C0007134, MeSH D002292, MONDO:0005086, HP:0005584.

Allele frequency attached by ClinVar (database versions not stated): TOPMed below 0.00001.
gnomAD v4.1: 1 of 1,613,224 alleles (0.000062%); highest among the groups gnomAD compares: Non-Finnish European, 0.000085%; no homozygotes.

Submission:

Labcorp Genetics (formerly Invitae), Labcorp
Classification: Uncertain significance for Renal cell carcinoma. Last evaluated: 2023-10-06. Review status: criteria provided, single submitter. Criteria: Invitae Variant Classification Sherloc (09022015). Collection method: clinical testing. Allele origin: germline.
Comment: This sequence change replaces serine, which is neutral and polar, with arginine, which is basic and polar, at codon 773 of the MET protein (p.Ser773Arg). This variant is not present in population databases (gnomAD no frequency). This variant has not been reported in the literature in individuals affected with MET-related conditions. An algorithm developed to predict the effect of missense changes on protein structure and function (PolyPhen-2) suggests that this variant is likely to be disruptive. In summary, the available evidence is currently insufficient to determine the role of this variant in disease. Therefore, it has been classified as a Variant of Uncertain Significance.